The following is an entry in ClinVar:

NM_000327.4(ROM1):c.43A>G (p.Ile15Val)

Gene: ROM1 (retinal outer segment membrane protein 1; plus strand). Cytogenetic location: 11q12.3.
Variant type: single nucleotide variant.
Coding change: c.43A>G on transcript NM_000327.4 (MANE Select); coding-DNA position 43, A replaced by G.
Protein change: p.Ile15Val; replaces isoleucine 15 with valine.
Molecular consequence: missense variant.
Genome position (GRCh38, 1-based): chr11:62,613,324, A>G. VCF-style: chr11-62613324-A-G. GRCh37 (hg19) VCF-style: chr11-62380796-A-G.
Other names: short protein forms I15V.
Identifiers: ClinVar variation 1016662 (VCV001016662.8), dbSNP rs1942932307, ClinGen allele CA380968052.

ClinVar aggregate classification (germline): Uncertain significance (1 of 4 stars; one submission).

Submission:

Labcorp Genetics (formerly Invitae), Labcorp
Classification: Uncertain significance. Last evaluated: 2020-06-16. Review status: criteria provided, single submitter. Criteria: Invitae Variant Classification Sherloc (09022015). Collection method: clinical testing. Allele origin: germline.
Comment: In summary, the available evidence is currently insufficient to determine the role of this variant in disease. Therefore, it has been classified as a Variant of Uncertain Significance. This sequence change replaces isoleucine with valine at codon 15 of the ROM1 protein (p.Ile15Val). The isoleucine residue is moderately conserved and there is a small physicochemical difference between isoleucine and valine. This variant is not present in population databases (ExAC no frequency). This variant has not been reported in the literature in individuals with ROM1-related conditions. Algorithms developed to predict the effect of missense changes on protein structure and function output the following: SIFT: "Tolerated"; PolyPhen-2: "Not Available"; Align-GVGD: "Class C0". The valine amino acid residue is found in multiple mammalian species, suggesting that this missense change does not adversely affect protein function. These predictions have not been confirmed by published functional studies and their clinical significance is uncertain.